The following is an entry in ClinVar:

NM_172107.4(KCNQ2):c.793G>T (p.Ala265Ser)

Gene: KCNQ2 (potassium voltage-gated channel subfamily Q member 2; minus strand). Cytogenetic location: 20q13.33.
Variant type: single nucleotide variant.
Coding change: c.793G>T on transcript NM_172107.4 (MANE Select); coding-DNA position 793, G replaced by T.
Protein change: p.Ala265Ser; replaces alanine 265 with serine.
Molecular consequence: missense variant.
Genome position (GRCh38, 1-based): chr20:63,442,429, C>A on the plus strand (G>T on the coding strand, the complement: KCNQ2 is on the minus strand). VCF-style: chr20-63442429-C-A. GRCh37 (hg19) VCF-style: chr20-62073782-C-A.
Other names: c.793G>T, p.Ala265Ser (NM_172108.5, NM_172109.3, NM_001382235.1 and 4 more transcripts); short protein forms A265S.
Identifiers: ClinVar variation 4294458 (VCV004294458.2).

ClinVar aggregate classification (germline): Pathogenic/Likely pathogenic. Review status: criteria provided, multiple submitters, no conflicts (2 of 4 stars). 2 submissions from 2 submitters: Pathogenic (1); Likely pathogenic (1). Last evaluated 2025-12-04.

Conditions:
Developmental and epileptic encephalopathy, 7 (DEE7). Also called: KCNQ2-Related Neonatal Epileptic Encephalopathy; Early infantile epileptic encephalopathy 7; KCNQ2-Related Neonatal-Onset Developmental and Epileptic Encephalopathy (NEO-DEE). Identifiers: Orphanet 439218, MedGen C3150986, MONDO:0013387, OMIM 613720.
Seizures, benign familial neonatal, 1. Also called: KCNQ2-Related Benign Familial Neonatal Epilepsy; Benign Neonatal Epilepsy 1; KCNQ2-Related Self-Limited Familial Neonatal Epilepsy (SLFNE); Seizures, benign neonatal, 1. Identifiers: Orphanet 1949, MedGen C3149074, MONDO:0007365, OMIM 121200.

Submissions (2):

Institute of Human Genetics, University of Leipzig Medical Center
Classification: Pathogenic for Developmental and epileptic encephalopathy, 7. Last evaluated: 2025-12-04. Review status: criteria provided, single submitter. Criteria: ACMG Guidelines, 2015. Collection method: clinical testing. Allele origin: unknown. Inheritance: Autosomal dominant inheritance. Affected: yes.
Comment: Criteria applied: PM5_STR,PS2_MOD,PM1,PM2,PS4_SUP,PP2,PP3

Molecular Genetics Department, Kulakov National Medical Research Center for Obstetrics, Gynecology and Perinatology
Classification: Likely pathogenic for Seizures, benign familial neonatal, 1; Developmental and epileptic encephalopathy, 7. Review status: criteria provided, single submitter. Criteria: ACMG Guidelines, 2015. Collection method: clinical testing. Allele origin: de novo. Affected: yes. Observed: 1 variant allele.
Comment: A previously undescribed heterozygous nucleotide variant creates a missense p.Ala265Ser in the KCNQ2 gene. Heterozygous variants are reported in patients with seizures, benign neonatal, 1, 121200. Another heterozygous variants resulting in an amino acid substitution at the same position (p.Ala265Thr, p.Ala265Val) have been reported, including those arose de novo, in patients with developmental and epileptic encephalopathy 7 [OMIM: 602235#0015; Hortigüela et al., 2017, PMID: 27535030]. The variant is not present in population database (gnomAD no frequency). Sanger sequencing revealed that the variant arose de novo (parentage confirmed). In summary, the currently available evidence indicates that the variant is pathogenic, but additional data are needed to prove that conclusively. Therefore, this variant has been classified as likely pathogenic.

Literature cited by the submitters: PubMed 27535030 (cited by Molecular Genetics Department, Kulakov National Medical Research Center for Obstetrics, Gynecology and Perinatology).